The following is an entry in ClinVar:

NM_012250.6(RRAS2):c.364A>T (p.Met122Leu)

Gene: RRAS2 (RAS related 2; minus strand). Cytogenetic location: 11p15.2.
Variant type: single nucleotide variant.
Coding change: c.364A>T on transcript NM_012250.6 (MANE Select); coding-DNA position 364, A replaced by T.
Protein change: p.Met122Leu; replaces methionine 122 with leucine.
Molecular consequence: missense variant.
Genome position (GRCh38, 1-based): chr11:14,294,515, T>A on the plus strand (A>T on the coding strand, the complement: RRAS2 is on the minus strand). VCF-style: chr11-14294515-T-A. GRCh37 (hg19) VCF-style: chr11-14316061-T-A.
Other names: c.133A>T, p.Met45Leu (NM_001102669.3, NM_001177315.2); c.259A>T, p.Met87Leu (NM_001177314.2); short protein forms M122L, M87L, M45L.
Identifiers: ClinVar variation 2798635 (VCV002798635.3), dbSNP rs1554946283, ClinGen allele CA379860081.

ClinVar aggregate classification (germline): Uncertain significance (1 of 4 stars; one submission).

Submission:

Labcorp Genetics (formerly Invitae), Labcorp
Classification: Uncertain significance. Last evaluated: 2024-12-02. Review status: criteria provided, single submitter. Criteria: Invitae Variant Classification Sherloc (09022015). Collection method: clinical testing. Allele origin: germline.
Comment: This sequence change replaces methionine, which is neutral and non-polar, with leucine, which is neutral and non-polar, at codon 122 of the RRAS2 protein (p.Met122Leu). This variant is not present in population databases (gnomAD no frequency). This variant has not been reported in the literature in individuals affected with RRAS2-related conditions. ClinVar contains an entry for this variant (Variation ID: 2798635). An algorithm developed to predict the effect of missense changes on protein structure and function (PolyPhen-2) suggests that this variant is likely to be tolerated. In summary, the available evidence is currently insufficient to determine the role of this variant in disease. Therefore, it has been classified as a Variant of Uncertain Significance.